The following is an entry in ClinVar:

ClinVar aggregate classification (germline): Uncertain significance (1 of 4 stars; one submission).

Conditions:
Hereditary spastic paraplegia 48. Also called: SPASTIC PARAPLEGIA 48, AUTOSOMAL RECESSIVE; Spastic paraplegia 48. Identifiers: Orphanet 306511, MedGen C3150901, MONDO:0013342, OMIM 613647.

Allele frequency attached by ClinVar (database versions not stated): gnomAD exomes below 0.00001; TOPMed below 0.00001.

Submission:

Labcorp Genetics (formerly Invitae), Labcorp
Classification: Uncertain significance for Hereditary spastic paraplegia 48. Last evaluated: 2022-08-12. Review status: criteria provided, single submitter. Criteria: Invitae Variant Classification Sherloc (09022015). Collection method: clinical testing. Allele origin: germline.
Comment: This sequence change replaces glutamic acid, which is acidic and polar, with glycine, which is neutral and non-polar, at codon 799 of the AP5Z1 protein (p.Glu799Gly). This variant is not present in population databases (gnomAD no frequency). This variant has not been reported in the literature in individuals affected with AP5Z1-related conditions. Algorithms developed to predict the effect of missense changes on protein structure and function are either unavailable or do not agree on the potential impact of this missense change (SIFT: "Deleterious"; PolyPhen-2: "Possibly Damaging"; Align-GVGD: "Class C0"). In summary, the available evidence is currently insufficient to determine the role of this variant in disease. Therefore, it has been classified as a Variant of Uncertain Significance.

NM_014855.3(AP5Z1):c.2396A>G (p.Glu799Gly)

Gene: AP5Z1 (adaptor related protein complex 5 subunit zeta 1; plus strand). Cytogenetic location: 7p22.1.
Variant type: single nucleotide variant.
Coding change: c.2396A>G on transcript NM_014855.3 (MANE Select); coding-DNA position 2396, A replaced by G.
Protein change: p.Glu799Gly; replaces glutamic acid 799 with glycine.
Molecular consequence: missense variant. On other transcripts: non-coding transcript variant (1).
Genome position (GRCh38, 1-based): chr7:4,791,357, A>G. VCF-style: chr7-4791357-A-G. GRCh37 (hg19) VCF-style: chr7-4830988-A-G.
Other names: c.1928A>G, p.Glu643Gly (NM_001364858.1); short protein forms E799G, E643G.
Identifiers: ClinVar variation 2176474 (VCV002176474.4), dbSNP rs1583243675, ClinGen allele CA366666078.